The following is an entry in ClinVar:

NM_000053.4(ATP7B):c.3502G>A (p.Ala1168Thr)

Gene: ATP7B (ATPase copper transporting beta; minus strand). Cytogenetic location: 13q14.3.
Variant type: single nucleotide variant.
Coding change: c.3502G>A on transcript NM_000053.4 (MANE Select); coding-DNA position 3502, G replaced by A.
Protein change: p.Ala1168Thr; replaces alanine 1168 with threonine.
Molecular consequence: missense variant.
Genome position (GRCh38, 1-based): chr13:51,941,135, C>T on the plus strand (G>A on the coding strand, the complement: ATP7B is on the minus strand). VCF-style: chr13-51941135-C-T. GRCh37 (hg19) VCF-style: chr13-52515271-C-T.
Other names: c.2881G>A, p.Ala961Thr (NM_001005918.3); c.3169G>A, p.Ala1057Thr (NM_001243182.2); c.3268G>A, p.Ala1090Thr (NM_001330578.2); c.3250G>A, p.Ala1084Thr (NM_001330579.2); short protein forms A961T, A1057T, A1084T, A1168T, A1090T.
Identifiers: ClinVar variation 810694 (VCV000810694.42), dbSNP rs777879359, ClinGen allele CA6988671.

ClinVar aggregate classification (germline): Uncertain significance. Review status: criteria provided, multiple submitters, no conflicts (2 of 4 stars). 9 submissions from 9 submitters: Uncertain significance (8). 1 of the submissions does not count toward it. Last evaluated 2026-02-20.

Conditions:
Wilson disease (WND). Also called: Wilson's disease. Identifiers: Orphanet 905, MedGen C0019202, MONDO:0010200, OMIM 277900. Disease mechanism: loss of function.
ATP7B-related disorder. Also called: ATP7B-related condition.

Allele frequency attached by ClinVar (database versions not stated): gnomAD 0.00003; TOPMed 0.00008.
gnomAD v4.1: 156 of 1,613,996 alleles (0.0097%); highest among the groups gnomAD compares: Middle Eastern, 0.049%; no homozygotes.

Submissions (9):

PreventionGenetics, part of Exact Sciences
Classification: Uncertain significance for ATP7B-related condition. Last evaluated: 2026-02-20. Review status: criteria provided, single submitter. Criteria: ACMG Guidelines, 2015. Collection method: clinical testing. Allele origin: germline.
Comment: The ATP7B c.3502G>A variant is predicted to result in the amino acid substitution p.Ala1168Thr. To our knowledge, this variant has not been reported in the literature. Alternate missense changes at the same amino acid position (p.Ala1168Ser, p.Ala1168Pro) have been reported in individuals with Wilson disease (Yoo et al. 2002. PubMed ID: 12544487; Wan et al. 2006. PubMed ID: 16696937). This variant is reported in 0.011% of alleles in individuals of Latino descent in gnomAD. At this time, the clinical significance of this variant is uncertain due to the absence of conclusive functional and genetic evidence.

Color Diagnostics, LLC DBA Color Health
Classification: Uncertain significance for Wilson disease. Last evaluated: 2025-06-13. Review status: criteria provided, single submitter. Criteria: ACMG Guidelines, 2015. Collection method: clinical testing. Allele origin: germline.
Comment: This missense variant replaces alanine with threonine at codon 1168 of the ATP7B protein. Computational prediction suggests that this variant may not impact protein structure and function. This variant alters a conserved alanine residue in the N domain of the ATP7B protein (a.a. 1032 - 1196), a highly conserved region that is considered to be important for ATP7B protein function (PMID: 35245129ClinVar). To our knowledge, functional studies have not been reported for this variant. This variant has been reported in an individual affected with Wilson disease (PMID: 36253962). This variant has been identified in 20/280970 chromosomes in the general population by the Genome Aggregation Database (gnomAD). The available evidence is insufficient to determine the role of this variant in disease conclusively. Therefore, this variant is classified as a Variant of Uncertain Significance.

CeGaT Center for Human Genetics Tuebingen
Classification: Uncertain significance. Last evaluated: 2024-09-01. Review status: criteria provided, single submitter. Criteria: CeGaT Center For Human Genetics Tuebingen Variant Classification Criteria Version 2. Collection method: clinical testing. Allele origin: germline. Affected: yes. Observed: 1 variant allele.
Comment: ATP7B: PM2

All of Us Research Program, National Institutes of Health
Classification: Uncertain significance for Wilson disease. Last evaluated: 2024-08-06. Review status: criteria provided, single submitter. Criteria: ACMG Guidelines, 2015. Collection method: clinical testing. Allele origin: germline. Inheritance: Autosomal recessive inheritance. Observed: 28 variant alleles, 28 heterozygotes.
Comment: This missense variant replaces alanine with threonine at codon 1168 of the ATP7B protein. Computational prediction suggests that this variant may not impact protein structure and function (internally defined REVEL score threshold <= 0.5, PMID: 27666373). To our knowledge, functional studies have not been reported for this variant. This variant has not been reported in individuals affected with Wilson disease in the literature. This variant has been identified in 20/280970 chromosomes in the general population by the Genome Aggregation Database (gnomAD). The available evidence is insufficient to determine the role of this variant in disease conclusively. Therefore, this variant is classified as a Variant of Uncertain Significance.

This study involves interpretation of variants in research participants for the purpose of population health screening. Participant phenotype was not available at the time of variant classification. Additional details can be found in publication PMID: 35346344, PMCID: PMC8962531

Fulgent Genetics
Classification: Uncertain significance for Wilson disease. Last evaluated: 2024-05-15. Review status: criteria provided, single submitter. Criteria: ACMG Guidelines, 2015. Collection method: clinical testing. Allele origin: germline.

Labcorp Genetics (formerly Invitae), Labcorp
Classification: Uncertain significance for Wilson disease. Last evaluated: 2022-10-05. Review status: criteria provided, single submitter. Criteria: Invitae Variant Classification Sherloc (09022015). Collection method: clinical testing. Allele origin: germline.
Comment: This sequence change replaces alanine, which is neutral and non-polar, with threonine, which is neutral and polar, at codon 1168 of the ATP7B protein (p.Ala1168Thr). This variant is present in population databases (rs777879359, gnomAD 0.01%). This variant has not been reported in the literature in individuals affected with ATP7B-related conditions. ClinVar contains an entry for this variant (Variation ID: 810694). Advanced modeling of protein sequence and biophysical properties (such as structural, functional, and spatial information, amino acid conservation, physicochemical variation, residue mobility, and thermodynamic stability) performed at Invitae indicates that this missense variant is not expected to disrupt ATP7B protein function. In summary, the available evidence is currently insufficient to determine the role of this variant in disease. Therefore, it has been classified as a Variant of Uncertain Significance.

Genome-Nilou Lab
Classification: Uncertain significance for Wilson disease. Last evaluated: 2021-09-05. Review status: criteria provided, single submitter. Criteria: ACMG Guidelines, 2015. Collection method: clinical testing. Allele origin: germline. Affected: no.

Breakthrough Genomics
Classification: Uncertain significance. Review status: criteria provided, single submitter. Criteria: ACMG Guidelines, 2015. Collection method: not provided. Allele origin: germline. Inheritance: Autosomal recessive inheritance. Affected: yes.

Natera, Inc.
Classification: Uncertain significance for Wilson disease. Last evaluated: 2020-02-07. Review status: no assertion criteria provided. Collection method: clinical testing. Allele origin: germline. Not counted in ClinVar's aggregate classification.

Literature cited by the submitters: PubMed 35245129 (cited by Color Diagnostics, LLC DBA Color Health); PubMed 36253962 (cited by Color Diagnostics, LLC DBA Color Health).